The following is an entry in ClinVar:

ClinVar aggregate classification (germline): Uncertain significance (1 of 4 stars; one submission).

gnomAD v4.1: 1 of 1,289,138 alleles (0.000078%); highest among the groups gnomAD compares: Non-Finnish European, 0.0001%; no homozygotes.

Submission:

GeneDx
Classification: Uncertain significance. Last evaluated: 2026-03-05. Review status: criteria provided, single submitter. Criteria: GeneDx Variant Classification Process June 2021. Collection method: clinical testing. Allele origin: germline.
Comment: Not observed at significant frequency in large population cohorts (gnomAD); Has not been previously published as pathogenic or benign to our knowledge; In silico analysis is inconclusive as to whether the variant alters gene splicing. In the absence of RNA/functional studies, the actual effect of this sequence change is unknown.; Reported using an alternate transcript of the gene; In silico analysis does not support a benign or deleterious effect of this variant on protein structure/function

NM_001382567.1(STIM1):c.1475A>T (p.Tyr492Phe)

Gene: STIM1 (stromal interaction molecule 1; plus strand). Cytogenetic location: 11p15.4.
Variant type: single nucleotide variant.
Coding change: c.1475A>T on transcript NM_001382567.1 (MANE Select); coding-DNA position 1475, A replaced by T.
Protein change: p.Tyr492Phe; replaces tyrosine 492 with phenylalanine.
Molecular consequence: missense variant. On other transcripts: intron variant (15).
Genome position (GRCh38, 1-based): chr11:4,084,673, A>T. VCF-style: chr11-4084673-A-T. GRCh37 (hg19) VCF-style: chr11-4105903-A-T.
Other names: c.1252+1175A>T (NM_001382578.1, NM_001382575.1, NM_001382576.1 and 3 more transcripts); c.985+1175A>T (NM_001382580.1, NM_001382581.1); c.1495+1175A>T (NM_001382568.1); c.1474+1175A>T (NM_001277962.2, NM_003156.4, NM_001277961.3); c.1246+1175A>T (NM_001382570.1); c.1339+1175A>T (NM_001382569.1); c.994+1175A>T (NM_001382571.1); short protein forms Y492F.
Identifiers: ClinVar variation 5009878 (VCV005009878.1).